The following is an entry in ClinVar:

NM_001277115.2(DNAH11):c.4019T>C (p.Ile1340Thr)

Gene: DNAH11 (dynein axonemal heavy chain 11; plus strand). Cytogenetic location: 7p15.3.
Variant type: single nucleotide variant.
Coding change: c.4019T>C on transcript NM_001277115.2 (MANE Select); coding-DNA position 4019, T replaced by C.
Protein change: p.Ile1340Thr; replaces isoleucine 1340 with threonine.
Molecular consequence: missense variant.
Genome position (GRCh38, 1-based): chr7:21,616,216, T>C. VCF-style: chr7-21616216-T-C. GRCh37 (hg19) VCF-style: chr7-21655834-T-C.
Other names: short protein forms I1340T.
Identifiers: ClinVar variation 4012675 (VCV004012675.1).

ClinVar aggregate classification (germline): Uncertain significance (1 of 4 stars; one submission).

Conditions:
Primary ciliary dyskinesia. Also called: Ciliary dyskinesia. Identifiers: Orphanet 244, MedGen C0008780, MONDO:0016575, HP:0012265.

gnomAD v4.1: 15 of 1,613,462 alleles (0.00093%); highest among the groups gnomAD compares: South Asian, 0.0022%; no homozygotes.

Submission:

Ambry Genetics
Classification: Uncertain significance for Primary ciliary dyskinesia. Last evaluated: 2025-04-07. Review status: criteria provided, single submitter. Criteria: Ambry Variant Classification Scheme 2023. Collection method: clinical testing. Allele origin: germline.
Comment: The p.I1340T variant (also known as c.4019T>C), located in coding exon 22 of the DNAH11 gene, results from a T to C substitution at nucleotide position 4019. The isoleucine at codon 1340 is replaced by threonine, an amino acid with similar properties. This amino acid position is conserved. In addition, this alteration is predicted to be tolerated by in silico analysis. Based on the available evidence, the clinical significance of this variant remains unclear.